The following is an entry in ClinVar:

NM_001286611.2(REPS1):c.1835C>T (p.Thr612Ile)

Gene: REPS1 (RALBP1 associated Eps domain containing 1; minus strand). Cytogenetic location: 6q24.1.
Variant type: single nucleotide variant.
Coding change: c.1835C>T on transcript NM_001286611.2 (MANE Select); coding-DNA position 1835, C replaced by T.
Protein change: p.Thr612Ile; replaces threonine 612 with isoleucine.
Molecular consequence: missense variant.
Genome position (GRCh38, 1-based): chr6:138,912,901, G>A on the plus strand (C>T on the coding strand, the complement: REPS1 is on the minus strand). VCF-style: chr6-138912901-G-A. GRCh37 (hg19) VCF-style: chr6-139234038-G-A.
Other names: c.1754C>T, p.Thr585Ile (NM_001128617.3); c.1562C>T, p.Thr521Ile (NM_001286612.2); c.1832C>T, p.Thr611Ile (NM_031922.5); short protein forms T585I, T611I, T612I, T521I.
Identifiers: ClinVar variation 1968358 (VCV001968358.5), dbSNP rs141931003, ClinGen allele CA148311263.

ClinVar aggregate classification (germline): Uncertain significance (1 of 4 stars; one submission).

Allele frequency attached by ClinVar (database versions not stated): gnomAD 0.00004; TOPMed 0.00005; ESP Exome Variant Server 0.00008.
gnomAD v4.1: 11 of 1,614,034 alleles (0.00068%); highest among the groups gnomAD compares: African/African-American, 0.0067%; no homozygotes.

Submission:

Labcorp Genetics (formerly Invitae), Labcorp
Classification: Uncertain significance. Last evaluated: 2023-07-17. Review status: criteria provided, single submitter. Criteria: Invitae Variant Classification Sherloc (09022015). Collection method: clinical testing. Allele origin: germline.
Comment: In summary, the available evidence is currently insufficient to determine the role of this variant in disease. Therefore, it has been classified as a Variant of Uncertain Significance. This sequence change replaces threonine, which is neutral and polar, with isoleucine, which is neutral and non-polar, at codon 612 of the REPS1 protein (p.Thr612Ile). This variant is present in population databases (rs141931003, gnomAD 0.007%). This variant has not been reported in the literature in individuals affected with REPS1-related conditions. ClinVar contains an entry for this variant (Variation ID: 1968358). Advanced modeling of protein sequence and biophysical properties (such as structural, functional, and spatial information, amino acid conservation, physicochemical variation, residue mobility, and thermodynamic stability) performed at Invitae indicates that this missense variant is not expected to disrupt REPS1 protein function.